The following is an entry in ClinVar:

ClinVar aggregate classification (germline): Benign/Likely benign. Review status: criteria provided, multiple submitters, no conflicts (2 of 4 stars). 2 submissions from 2 submitters: Benign (1); Likely benign (1). Last evaluated 2022-11-01.

Allele frequency attached by ClinVar (database versions not stated): 1000 Genomes Project 0.00040; 1000 Genomes Project 30x 0.00062; ExAC 0.00196; gnomAD exomes 0.00197; TOPMed 0.00210; gnomAD 0.00224 and 0.00234; ESP Exome Variant Server 0.00243.
gnomAD v4.1: 4,448 of 1,614,176 alleles (0.28%); highest among the groups gnomAD compares: Non-Finnish European, 0.35%; 4 homozygotes.

Submissions (2):

CeGaT Center for Human Genetics Tuebingen
Classification: Likely benign. Last evaluated: 2022-11-01. Review status: criteria provided, single submitter. Criteria: CeGaT Center For Human Genetics Tuebingen Variant Classification Criteria Version 2. Collection method: clinical testing. Allele origin: germline. Affected: yes. Observed: 1 variant allele.
Comment: GREB1: BP4, BP7

Labcorp Genetics (formerly Invitae), Labcorp
Classification: Benign. Last evaluated: 2018-06-20. Review status: criteria provided, single submitter. Criteria: Invitae Variant Classification Sherloc (09022015). Collection method: clinical testing. Allele origin: germline.

NM_014668.4(GREB1):c.2193G>A (p.Thr731=)

Gene: GREB1 (growth regulating estrogen receptor binding 1; plus strand). Cytogenetic location: 2p25.1.
Variant type: single nucleotide variant.
Coding change: c.2193G>A on transcript NM_014668.4 (MANE Select); coding-DNA position 2193, G replaced by A.
Protein change: p.Thr731=; no amino-acid change (threonine 731 retained).
Molecular consequence: synonymous variant.
Genome position (GRCh38, 1-based): chr2:11,598,720, G>A. VCF-style: chr2-11598720-G-A. GRCh37 (hg19) VCF-style: chr2-11738846-G-A.
Identifiers: ClinVar variation 728253 (VCV000728253.27), dbSNP rs201947141, ClinGen allele CA1531809.